The following is an entry in ClinVar:

ClinVar aggregate classification (germline): Pathogenic (1 of 4 stars; one submission).

Conditions:
Carnitine palmitoyl transferase 1A deficiency. Also called: Carnitine palmitoyltransferase 1A deficiency; CPT deficiency, hepatic, type IA; Carnitine palmitoyltransferase type I deficiency; CPT I DEFICIENCY; CPT DEFICIENCY, HEPATIC, TYPE I. Identifiers: Orphanet 156, MedGen C1829703, MONDO:0009705, OMIM 255120.

Submission:

Myriad Genetics, Inc.
Classification: Pathogenic for Carnitine palmitoyl transferase 1A deficiency. Last evaluated: 2025-05-07. Review status: criteria provided, single submitter. Criteria: Myriad Autosomal Dominant, Autosomal Recessive and X-Linked Classification Criteria (2023). Collection method: clinical testing. Allele origin: unknown.
Comment: NM_001876.3(CPT1A):c.936delT(F312Lfs*17) is expected to be pathogenic in the context of carnitine palmitoyltransferase IA deficiency. This variant is predicted to lead to an abnormal or absent protein product due to the creation of a premature termination codon in CPT1A, a gene where loss-of-function variants are known to be pathogenic. Please note: this variant was assessed in the context of healthy population screening.

NM_001876.4(CPT1A):c.936del (p.Phe312fs)

Gene: CPT1A (carnitine palmitoyltransferase 1A; minus strand). Cytogenetic location: 11q13.3.
Variant type: Deletion.
Coding change: c.936del on transcript NM_001876.4 (MANE Select); coding-DNA position 936, one base deleted (T; older notation c.936delT).
Protein change: p.Phe312fs; shifts the reading frame from phenylalanine 312.
Molecular consequence: frameshift variant.
Genome position (GRCh38, 1-based): chr11:68,793,346, A deleted on the plus strand (T on the coding strand, the reverse complement: CPT1A is on the minus strand); the first of 3 consecutive A bases (chr11:68,793,346-68,793,348); deleting any one gives the same sequence. VCF-style (leftmost placement, unchanged base first): chr11-68793345-TA-T. GRCh37 (hg19) VCF-style: chr11-68560813-TA-T.
Other names: c.936del, p.Phe312fs (NM_001031847.3, NM_001440358.1, NM_001440359.1 and 4 more transcripts); c.828del, p.Phe276fs (NM_001440363.1); c.750del, p.Phe250fs (NM_001440365.1); short protein forms F250fs, F276fs, F312fs.
Identifiers: ClinVar variation 5014398 (VCV005014398.1).